The following is an entry in ClinVar:

ClinVar aggregate classification (germline): Uncertain significance (1 of 4 stars; one submission).

Conditions:
Hereditary cancer-predisposing syndrome. Also called: Neoplastic Syndromes, Hereditary; Tumor predisposition; Hereditary Cancer Syndrome; Hereditary neoplastic syndrome. Identifiers: Orphanet 140162, MedGen C0027672, MeSH D009386, MONDO:0015356.

Submission:

Ambry Genetics
Classification: Uncertain significance for Hereditary cancer-predisposing syndrome. Last evaluated: 2025-10-26. Review status: criteria provided, single submitter. Criteria: Ambry Variant Classification Scheme 2023. Collection method: clinical testing. Allele origin: germline.
Comment: The p.H483Q variant (also known as c.1449C>A), located in coding exon 12 of the CHEK2 gene, results from a C to A substitution at nucleotide position 1449. The histidine at codon 483 is replaced by glutamine, an amino acid with highly similar properties. This amino acid position is conserved. In addition, this alteration is predicted to be deleterious by in silico analysis. Based on the available evidence, the clinical significance of this variant remains unclear.

NM_007194.4(CHEK2):c.1449C>A (p.His483Gln)

Gene: CHEK2 (checkpoint kinase 2; minus strand). Cytogenetic location: 22q12.1.
Variant type: single nucleotide variant.
Coding change: c.1449C>A on transcript NM_007194.4 (MANE Select); coding-DNA position 1449, C replaced by A.
Protein change: p.His483Gln; replaces histidine 483 with glutamine.
Molecular consequence: missense variant.
Genome position (GRCh38, 1-based): chr22:28,694,044, G>T on the plus strand (C>A on the coding strand, the complement: CHEK2 is on the minus strand). VCF-style: chr22-28694044-G-T. GRCh37 (hg19) VCF-style: chr22-29090032-G-T.
Other names: c.1578C>A, p.His526Gln (NM_001005735.3); c.786C>A, p.His262Gln (NM_001257387.3, NM_001437942.1); c.1248C>A, p.His416Gln (NM_001349956.3); c.1542C>A, p.His514Gln (NM_001438293.1); c.1491C>A, p.His497Gln (NM_001438294.1); c.1455C>A, p.His485Gln (NM_001438295.1); c.1362C>A, p.His454Gln (NM_145862.3); short protein forms H485Q, H497Q, H416Q, H454Q, H514Q, H262Q, H483Q, H526Q.
Identifiers: ClinVar variation 4634521 (VCV004634521.1).